The following is an entry in ClinVar:

NM_005045.4(RELN):c.4547C>G (p.Thr1516Ser)

Gene: RELN (reelin; minus strand). Cytogenetic location: 7q22.1.
Variant type: single nucleotide variant.
Coding change: c.4547C>G on transcript NM_005045.4 (MANE Select); coding-DNA position 4547, C replaced by G.
Protein change: p.Thr1516Ser; replaces threonine 1516 with serine.
Molecular consequence: missense variant.
Genome position (GRCh38, 1-based): chr7:103,572,225, G>C on the plus strand (C>G on the coding strand, the complement: RELN is on the minus strand). VCF-style: chr7-103572225-G-C. GRCh37 (hg19) VCF-style: chr7-103212672-G-C.
Other names: c.4547C>G, p.Thr1516Ser (NM_173054.3); short protein forms T1516S.
Identifiers: ClinVar variation 2953068 (VCV002953068.3), dbSNP rs1584306888, ClinGen allele CA368749970.

ClinVar aggregate classification (germline): Uncertain significance (1 of 4 stars; one submission).

Conditions:
Norman-Roberts syndrome (LIS2). Also called: Lissencephaly 2 (Norman-Roberts type). Identifiers: Orphanet 89844, MedGen C0796089, MONDO:0009760, OMIM 257320.
Familial temporal lobe epilepsy 7. Identifiers: Orphanet 101046, MedGen C4225327, MONDO:0014639, OMIM 616436.

Submission:

Labcorp Genetics (formerly Invitae), Labcorp
Classification: Uncertain significance for Familial temporal lobe epilepsy 7; Norman-Roberts syndrome. Last evaluated: 2025-01-06. Review status: criteria provided, single submitter. Criteria: Invitae Variant Classification Sherloc (09022015). Collection method: clinical testing. Allele origin: germline.
Comment: This sequence change replaces threonine, which is neutral and polar, with serine, which is neutral and polar, at codon 1516 of the RELN protein (p.Thr1516Ser). This variant is not present in population databases (gnomAD no frequency). This variant has not been reported in the literature in individuals affected with RELN-related conditions. ClinVar contains an entry for this variant (Variation ID: 2953068). Invitae Evidence Modeling of protein sequence and biophysical properties (such as structural, functional, and spatial information, amino acid conservation, physicochemical variation, residue mobility, and thermodynamic stability) indicates that this missense variant is not expected to disrupt RELN protein function with a negative predictive value of 80%. In summary, the available evidence is currently insufficient to determine the role of this variant in disease. Therefore, it has been classified as a Variant of Uncertain Significance.